The following is an entry in ClinVar:

NM_005276.4(GPD1):c.718A>C (p.Lys240Gln)

Gene: GPD1 (glycerol-3-phosphate dehydrogenase 1; plus strand). Cytogenetic location: 12q13.12.
Variant type: single nucleotide variant.
Coding change: c.718A>C on transcript NM_005276.4 (MANE Select); coding-DNA position 718, A replaced by C.
Protein change: p.Lys240Gln; replaces lysine 240 with glutamine.
Molecular consequence: missense variant.
Genome position (GRCh38, 1-based): chr12:50,107,672, A>C. VCF-style: chr12-50107672-A-C. GRCh37 (hg19) VCF-style: chr12-50501455-A-C.
Other names: c.649A>C, p.Lys217Gln (NM_001257199.2); c.718A>C (NM_005276.2); short protein forms K217Q, K240Q.
Identifiers: ClinVar variation 1465382 (VCV001465382.9), dbSNP rs777980928, ClinGen allele CA6561738.
Genomic context (GRCh38, chr12:50,107,672, plus strand): 5'-GGCGACAACACCAAGGCGGCAGTGATCCGGCTGGGACTCATGGAGATGATAGCCTTCGCC[A>C]AGCTCTTCTGCAGTGGCCCTGTGTCCTCTGCCACCTTCTTGGAGAGCTGTGGTGTTGCTG-3'
Protein context (NP_005267.2, residues 230-250): LGLMEMIAFA[Lys240Gln]LFCSGPVSSA

ClinVar aggregate classification (germline): Uncertain significance. Review status: criteria provided, multiple submitters, no conflicts (2 of 4 stars). 2 submissions from 2 submitters: Uncertain significance (2). Last evaluated 2023-09-12.

Conditions:
Inborn genetic diseases. Identifiers: MedGen C0950123, MeSH D030342.

Allele frequency attached by ClinVar (database versions not stated): gnomAD exomes below 0.00001; ExAC 0.00001; gnomAD 0.00001.

Submissions (2):

Ambry Genetics
Classification: Uncertain significance for Inborn genetic diseases. Last evaluated: 2023-09-12. Review status: criteria provided, single submitter. Criteria: Ambry Variant Classification Scheme 2023. Collection method: clinical testing. Allele origin: germline.

Labcorp Genetics (formerly Invitae), Labcorp
Classification: Uncertain significance. Last evaluated: 2021-05-07. Review status: criteria provided, single submitter. Criteria: Invitae Variant Classification Sherloc (09022015). Collection method: clinical testing. Allele origin: germline.
Comment: This variant is present in population databases (rs777980928, ExAC 0.001%). This sequence change replaces lysine with glutamine at codon 240 of the GPD1 protein (p.Lys240Gln). The lysine residue is moderately conserved and there is a small physicochemical difference between lysine and glutamine. This variant has not been reported in the literature in individuals with GPD1-related conditions. Algorithms developed to predict the effect of missense changes on protein structure and function (SIFT, PolyPhen-2, Align-GVGD) all suggest that this variant is likely to be tolerated, but these predictions have not been confirmed by published functional studies and their clinical significance is uncertain. In summary, the available evidence is currently insufficient to determine the role of this variant in disease. Therefore, it has been classified as a Variant of Uncertain Significance.